The following is an entry in ClinVar:

ClinVar aggregate classification (germline): Uncertain significance. Review status: criteria provided, multiple submitters, no conflicts (2 of 4 stars). 2 submissions from 2 submitters: Uncertain significance (2). Last evaluated 2026-07-28.

Conditions:
RFX6-related disorder. Also called: RFX6-related condition.
Inborn genetic diseases. Identifiers: MedGen C0950123, MeSH D030342.

gnomAD v4.1: 5 of 1,613,038 alleles (0.00031%); highest among the groups gnomAD compares: Non-Finnish European, 0.00042%; no homozygotes.

Submissions (2):

PreventionGenetics, part of Exact Sciences
Classification: Uncertain significance for RFX6-related condition. Last evaluated: 2026-07-28. Review status: criteria provided, single submitter. Criteria: ACMG Guidelines, 2015. Collection method: clinical testing. Allele origin: germline.
Comment: The RFX6 c.53C>T variant is predicted to result in the amino acid substitution p.Pro18Leu. To our knowledge, this variant has not been reported in the literature or in a large population database (gnomAD), indicating this variant is rare. At this time, the clinical significance of this variant is uncertain due to the absence of conclusive functional and genetic evidence.

Ambry Genetics
Classification: Uncertain significance for Inborn genetic diseases. Last evaluated: 2024-10-20. Review status: criteria provided, single submitter. Criteria: Ambry Variant Classification Scheme 2023. Collection method: clinical testing. Allele origin: germline.

NM_173560.4(RFX6):c.53C>T (p.Pro18Leu)

Genes: RFX6 (regulatory factor X6; plus strand), LOC127407129 (RFX6 promoter region; plus strand). Cytogenetic location: 6q22.1.
Variant type: single nucleotide variant.
Coding change: c.53C>T on transcript NM_173560.4 (MANE Select); coding-DNA position 53, C replaced by T.
Protein change: p.Pro18Leu; replaces proline 18 with leucine.
Molecular consequence: missense variant.
Genome position (GRCh38, 1-based): chr6:116,877,328, C>T. VCF-style: chr6-116877328-C-T. GRCh37 (hg19) VCF-style: chr6-117198491-C-T.
Other names: short protein forms P18L.
Identifiers: ClinVar variation 3432620 (VCV003432620.2).